The following is an entry in ClinVar:

ClinVar aggregate classification (germline): Conflicting classifications of pathogenicity. Review status: criteria provided, conflicting classifications (1 of 4 stars). 2 submissions from 2 submitters: Uncertain significance (1); Likely benign (1). Last evaluated 2026-06-04.

Conditions:
IFNLR1-related disorder. Also called: IFNLR1-related condition.

Allele frequency attached by ClinVar (database versions not stated): gnomAD exomes below 0.00001; ExAC 0.00002; TOPMed 0.00009.
gnomAD v4.1: 14 of 1,614,082 alleles (0.00087%); highest among the groups gnomAD compares: African/African-American, 0.016%; no homozygotes.

Submissions (2):

PreventionGenetics, part of Exact Sciences
Classification: Uncertain significance for IFNLR1-related condition. Last evaluated: 2026-06-04. Review status: criteria provided, single submitter. Criteria: ACMG Guidelines, 2015. Collection method: clinical testing. Allele origin: germline.
Comment: The IFNLR1 c.946A>G variant is predicted to result in the amino acid substitution p.Thr316Ala. To our knowledge, this variant has not been reported in the literature. This variant is reported in 0.018% of alleles in individuals of African descent in gnomAD. At this time, the clinical significance of this variant is uncertain due to the absence of conclusive functional and genetic evidence.

Ambry Genetics
Classification: Likely benign. Last evaluated: 2022-12-21. Review status: criteria provided, single submitter. Criteria: Ambry Variant Classification Scheme 2023. Collection method: clinical testing. Allele origin: germline.

NM_170743.4(IFNLR1):c.946A>G (p.Thr316Ala)

Gene: IFNLR1 (interferon lambda receptor 1; minus strand). Cytogenetic location: 1p36.11.
Variant type: single nucleotide variant.
Coding change: c.946A>G on transcript NM_170743.4 (MANE Select); coding-DNA position 946, A replaced by G.
Protein change: p.Thr316Ala; replaces threonine 316 with alanine.
Molecular consequence: missense variant. On other transcripts: 3 prime UTR variant (1).
Genome position (GRCh38, 1-based): chr1:24,157,747, T>C on the plus strand (A>G on the coding strand, the complement: IFNLR1 is on the minus strand). VCF-style: chr1-24157747-T-C. GRCh37 (hg19) VCF-style: chr1-24484237-T-C.
Other names: c.859A>G, p.Thr287Ala (NM_173064.3); c.*80A>G (NM_173065.3); short protein forms T287A, T316A.
Identifiers: ClinVar variation 2226465 (VCV002226465.3), dbSNP rs570292636, ClinGen allele CA689478.